The following is an entry in ClinVar:

NM_001270508.2(TNFAIP3):c.74C>T (p.Thr25Ile)

Gene: TNFAIP3 (TNF alpha induced protein 3; plus strand). Cytogenetic location: 6q23.3.
Variant type: single nucleotide variant.
Coding change: c.74C>T on transcript NM_001270508.2 (MANE Select); coding-DNA position 74, C replaced by T.
Protein change: p.Thr25Ile; replaces threonine 25 with isoleucine.
Molecular consequence: missense variant.
Genome position (GRCh38, 1-based): chr6:137,871,301, C>T. VCF-style: chr6-137871301-C-T. GRCh37 (hg19) VCF-style: chr6-138192438-C-T.
Other names: c.74C>T, p.Thr25Ile (NM_001270507.2, NM_006290.4); short protein forms T25I.
Identifiers: ClinVar variation 2416324 (VCV002416324.20), dbSNP rs757112036, ClinGen allele CA4019341.

ClinVar aggregate classification (germline): Conflicting classifications of pathogenicity. Review status: criteria provided, conflicting classifications (1 of 4 stars). 2 submissions from 2 submitters: Uncertain significance (1); Likely benign (1). Last evaluated 2026-01-05.

Allele frequency attached by ClinVar (database versions not stated): gnomAD 0.00001; gnomAD exomes 0.00001; ExAC 0.00003; TOPMed 0.00003.
gnomAD v4.1: 6 of 1,613,898 alleles (0.00037%); highest among the groups gnomAD compares: East Asian, 0.013%; no homozygotes.

Submissions (2):

Labcorp Genetics (formerly Invitae), Labcorp
Classification: Uncertain significance. Last evaluated: 2026-01-05. Review status: criteria provided, single submitter. Criteria: Invitae Variant Classification Sherloc (09022015). Collection method: clinical testing. Allele origin: germline.
Comment: This sequence change replaces threonine, which is neutral and polar, with isoleucine, which is neutral and non-polar, at codon 25 of the TNFAIP3 protein (p.Thr25Ile). This variant is present in population databases (rs757112036, gnomAD 0.03%). This variant has not been reported in the literature in individuals affected with TNFAIP3-related conditions. ClinVar contains an entry for this variant (Variation ID: 2416324). Invitae Evidence Modeling of protein sequence and biophysical properties (such as structural, functional, and spatial information, amino acid conservation, physicochemical variation, residue mobility, and thermodynamic stability) indicates that this missense variant is not expected to disrupt TNFAIP3 protein function with a negative predictive value of 80%. In summary, the available evidence is currently insufficient to determine the role of this variant in disease. Therefore, it has been classified as a Variant of Uncertain Significance.

CeGaT Center for Human Genetics Tuebingen
Classification: Likely benign. Last evaluated: 2024-11-01. Review status: criteria provided, single submitter. Criteria: CeGaT Center For Human Genetics Tuebingen Variant Classification Criteria Version 2. Collection method: clinical testing. Allele origin: germline. Affected: yes. Observed: 1 variant allele.
Comment: TNFAIP3: BP4